The following is an entry in ClinVar:

NM_002206.3(ITGA7):c.2399G>A (p.Arg800His)

Genes: ITGA7 (integrin subunit alpha 7; minus strand), LOC126861535 (CDK7 strongly-dependent group 2 enhancer GRCh37_chr12:56087579-56088778; plus strand). Cytogenetic location: 12q13.2.
Variant type: single nucleotide variant.
Coding change: c.2399G>A on transcript NM_002206.3 (MANE Select); coding-DNA position 2399, G replaced by A.
Protein change: p.Arg800His; replaces arginine 800 with histidine.
Molecular consequence: missense variant.
Genome position (GRCh38, 1-based): chr12:55,694,289, C>T on the plus strand (G>A on the coding strand, the complement: ITGA7 is on the minus strand). VCF-style: chr12-55694289-C-T. GRCh37 (hg19) VCF-style: chr12-56088073-C-T.
Other names: c.2411G>A, p.Arg804His (NM_001144996.2); c.2120G>A, p.Arg707His (NM_001144997.2); c.2072G>A, p.Arg691His (NM_001367993.1); c.1055G>A, p.Arg352His (NM_001367994.1); c.2381G>A, p.Arg794His (NM_001374465.1); c.2531G>A, p.Arg844His (NM_001410977.1); c.2393G>A, p.Arg798His (NM_001414029.1); c.2324G>A, p.Arg775His (NM_001414030.1); and 5 more; short protein forms R707H, R800H, R804H, R352H, R691H, R794H, R844H, R725H.
Identifiers: ClinVar variation 537994 (VCV000537994.10), dbSNP rs143929243, ClinGen allele CA6615613.

ClinVar aggregate classification (germline): Conflicting classifications of pathogenicity. Review status: criteria provided, conflicting classifications (1 of 4 stars). 3 submissions from 3 submitters: Uncertain significance (2); Likely benign (1). Last evaluated 2024-11-25.

Conditions:
Congenital muscular dystrophy due to integrin alpha-7 deficiency. Also called: MYOPATHY, CONGENITAL, DUE TO INTEGRIN ALPHA-7 DEFICIENCY; Congenital muscular dystrophy with integrin alpha-7 deficiency; Muscular dystrophy, congenital, due to ITGA7 deficiency. Identifiers: Orphanet 34520, MedGen C2750786, MONDO:0013177, OMIM 613204.

Allele frequency attached by ClinVar (database versions not stated): gnomAD 0.00003; gnomAD exomes 0.00009; ExAC 0.00011; 1000 Genomes Project 30x 0.00016; 1000 Genomes Project 0.00020; ESP Exome Variant Server 0.00023; TOPMed 0.00025.
gnomAD v4.1: 116 of 1,614,050 alleles (0.0072%); highest among the groups gnomAD compares: African/African-American, 0.033%; no homozygotes.

Submissions (3):

Blueprint Genetics
Classification: Likely benign. Last evaluated: 2024-11-25. Review status: criteria provided, single submitter. Criteria: ACMG Guidelines, 2015. Collection method: clinical testing. Allele origin: germline.

Revvity Omics, Revvity
Classification: Uncertain significance for Congenital muscular dystrophy due to integrin alpha-7 deficiency. Last evaluated: 2024-06-07. Review status: criteria provided, single submitter. Criteria: ACMG Guidelines, 2015. Collection method: clinical testing. Allele origin: germline.

Labcorp Genetics (formerly Invitae), Labcorp
Classification: Uncertain significance for Congenital muscular dystrophy due to integrin alpha-7 deficiency. Last evaluated: 2022-10-25. Review status: criteria provided, single submitter. Criteria: Invitae Variant Classification Sherloc (09022015). Collection method: clinical testing. Allele origin: germline.
Comment: This sequence change replaces arginine, which is basic and polar, with histidine, which is basic and polar, at codon 800 of the ITGA7 protein (p.Arg800His). This variant is present in population databases (rs143929243, gnomAD 0.03%). This variant has not been reported in the literature in individuals affected with ITGA7-related conditions. ClinVar contains an entry for this variant (Variation ID: 537994). Advanced modeling of protein sequence and biophysical properties (such as structural, functional, and spatial information, amino acid conservation, physicochemical variation, residue mobility, and thermodynamic stability) performed at Invitae indicates that this missense variant is not expected to disrupt ITGA7 protein function. In summary, the available evidence is currently insufficient to determine the role of this variant in disease. Therefore, it has been classified as a Variant of Uncertain Significance.